The following is an entry in ClinVar:

NM_016816.4(OAS1):c.386C>T (p.Pro129Leu)

Gene: OAS1 (2'-5'-oligoadenylate synthetase 1; plus strand). Cytogenetic location: 12q24.13.
Variant type: single nucleotide variant.
Coding change: c.386C>T on transcript NM_016816.4 (MANE Select); coding-DNA position 386, C replaced by T.
Protein change: p.Pro129Leu; replaces proline 129 with leucine.
Molecular consequence: missense variant. On other transcripts: non-coding transcript variant (9), intron variant (4).
Genome position (GRCh38, 1-based): chr12:112,908,741, C>T. VCF-style: chr12-112908741-C-T. GRCh37 (hg19) VCF-style: chr12-113346546-C-T.
Other names: c.386C>T, p.Pro129Leu (NM_001032409.3, NM_001320151.2, NM_001406020.1 and 6 more transcripts); c.180+1522C>T (NM_001406030.1, NM_001406029.1, NM_001406027.1 and 1 more transcripts); short protein forms P129L.
Identifiers: ClinVar variation 4767444 (VCV004767444.1).

ClinVar aggregate classification (germline): Uncertain significance (1 of 4 stars; one submission).

gnomAD v4.1: 1 of 1,614,120 alleles (0.000062%); highest among the groups gnomAD compares: Non-Finnish European, 0.000085%; no homozygotes.

Submission:

Labcorp Genetics (formerly Invitae), Labcorp
Classification: Uncertain significance. Last evaluated: 2025-03-31. Review status: criteria provided, single submitter. Criteria: Invitae Variant Classification Sherloc (09022015). Collection method: clinical testing. Allele origin: germline.
Comment: This sequence change replaces proline, which is neutral and non-polar, with leucine, which is neutral and non-polar, at codon 129 of the OAS1 protein (p.Pro129Leu). This variant is not present in population databases (gnomAD no frequency). This variant has not been reported in the literature in individuals affected with OAS1-related conditions. An algorithm developed to predict the effect of missense changes on protein structure and function (PolyPhen-2) suggests that this variant is likely to be tolerated. In summary, the available evidence is currently insufficient to determine the role of this variant in disease. Therefore, it has been classified as a Variant of Uncertain Significance.